The following is an entry in ClinVar:

NM_024675.4(PALB2):c.2064C>T (p.Asn688=)

Gene: PALB2 (partner and localizer of BRCA2; minus strand). Cytogenetic location: 16p12.2.
Variant type: single nucleotide variant.
Coding change: c.2064C>T on transcript NM_024675.4 (MANE Select); coding-DNA position 2064, C replaced by T.
Protein change: p.Asn688=; no amino-acid change (asparagine 688 retained).
Molecular consequence: synonymous variant.
Genome position (GRCh38, 1-based): chr16:23,630,090, G>A on the plus strand (C>T on the coding strand, the complement: PALB2 is on the minus strand). VCF-style: chr16-23630090-G-A. GRCh37 (hg19) VCF-style: chr16-23641411-G-A.
Identifiers: ClinVar variation 1657337 (VCV001657337.10), dbSNP rs2142382120, ClinGen allele CA494461018.

ClinVar aggregate classification (germline): Benign/Likely benign. Review status: criteria provided, multiple submitters, no conflicts (2 of 4 stars). 2 submissions from 2 submitters: Benign (1); Likely benign (1). Last evaluated 2025-01-15.

Conditions:
Familial cancer of breast. Also called: Hereditary breast cancer; BREAST CANCER, FAMILIAL; hereditary breast carcinoma. Identifiers: Orphanet 227535, MedGen C0346153, MONDO:0016419, OMIM 114480. Disease mechanism: loss of function.

Submissions (2):

Myriad Genetics, Inc.
Classification: Benign for Familial cancer of breast. Last evaluated: 2025-01-15. Review status: criteria provided, single submitter. Criteria: Myriad Autosomal Dominant, Autosomal Recessive and X-Linked Classification Criteria (2023). Collection method: clinical testing. Allele origin: unknown.
Comment: This variant is considered benign. This variant is a silent/synonymous amino acid change and it is not expected to impact splicing.

Labcorp Genetics (formerly Invitae), Labcorp
Classification: Likely benign for Familial cancer of breast. Last evaluated: 2021-05-09. Review status: criteria provided, single submitter. Criteria: Invitae Variant Classification Sherloc (09022015). Collection method: clinical testing. Allele origin: germline.